The following is an entry in ClinVar:

ClinVar aggregate classification (germline): Likely pathogenic (1 of 4 stars; one submission).

Conditions:
Brooke-Spiegler syndrome. Also called: CYLD Cutaneous Syndrome. Identifiers: Orphanet 79493, MedGen C1857941, MONDO:0011512, OMIM 605041.

Submission:

Institute of Human Genetics, University of Goettingen
Classification: Likely pathogenic for Brooke-Spiegler syndrome. Last evaluated: 2022-11-30. Review status: criteria provided, single submitter. Criteria: ACMG Guidelines, 2015. Collection method: clinical testing. Allele origin: unknown. Inheritance: Autosomal dominant inheritance. Affected: yes. Observed: 1 heterozygote.
Comment: The variant c.2616del (p.(Tyr872*)) in exon 19 of the CYLD gene is not found in the gnomAD database and it changes the protein sequence starting at position 872 and interrupts the reading frame prematurely. ACMG criteria used for classification: PVS1, PM2.

NM_001378743.1(CYLD):c.2616del (p.His871_Tyr872insTer)

Genes: CYLD (CYLD lysine 63 deubiquitinase; plus strand), CYLD-AS2 (CYLD antisense RNA 2; minus strand). Cytogenetic location: 16q12.1.
Variant type: Deletion.
Coding change: c.2616del on transcript NM_001378743.1 (MANE Select); coding-DNA position 2616, one base deleted (T; older notation c.2616delT).
Protein change: p.His871_Tyr872insTer.
Molecular consequence: nonsense. On other transcripts: non-coding transcript variant (1).
Genome position (GRCh38, 1-based): chr16:50,794,358, T deleted. VCF-style (leftmost placement, unchanged base first): chr16-50794357-AT-A. GRCh37 (hg19) VCF-style: chr16-50828268-AT-A.
Other names: c.2607del, p.His868_Tyr869insTer (NM_001378749.1, NM_001378750.1, NM_001042355.2 and 6 more transcripts); c.2577del, p.His858_Tyr859insTer (NM_001378751.1, NM_001378752.1, NM_001378753.1); c.1941del, p.His646_Tyr647insTer (NM_001378754.1, NM_001378755.1); c.2616del, p.His871_Tyr872insTer (NM_015247.3).
Identifiers: ClinVar variation 1801315 (VCV001801315.2), dbSNP rs2506862962, ClinGen allele CA2580091615.